The following is an entry in ClinVar:

NM_030777.4(SLC2A10):c.1423T>G (p.Leu475Val)

Gene: SLC2A10 (solute carrier family 2 member 10; plus strand). Cytogenetic location: 20q13.12.
Variant type: single nucleotide variant.
Coding change: c.1423T>G on transcript NM_030777.4 (MANE Select); coding-DNA position 1423, T replaced by G.
Protein change: p.Leu475Val; replaces leucine 475 with valine.
Molecular consequence: missense variant.
Genome position (GRCh38, 1-based): chr20:46,729,364, T>G. VCF-style: chr20-46729364-T-G. GRCh37 (hg19) VCF-style: chr20-45358003-T-G.
Other names: p.L475V:TTG>GTG; short protein forms L475V.
Identifiers: ClinVar variation 213740 (VCV000213740.13), dbSNP rs754355572, ClinGen allele CA325324.

ClinVar aggregate classification (germline): Uncertain significance. Review status: criteria provided, multiple submitters, no conflicts (2 of 4 stars). 4 submissions from 4 submitters: Uncertain significance (4). Last evaluated 2025-10-29.

Conditions:
Familial thoracic aortic aneurysm and aortic dissection (TAAD). Also called: Thoracic aortic aneurysms and dissections. Identifiers: Orphanet 91387, MedGen C4707243, MONDO:0019625.
Arterial tortuosity syndrome (ATORS). Identifiers: Orphanet 3342, MedGen C1859726, MONDO:0008818, OMIM 208050.

Allele frequency attached by ClinVar (database versions not stated): gnomAD exomes below 0.00001; TOPMed below 0.00001; ExAC 0.00001; gnomAD 0.00001.
gnomAD v4.1: 14 of 1,613,802 alleles (0.00087%); highest among the groups gnomAD compares: East Asian, 0.0089%; no homozygotes.

Submissions (4):

Ambry Genetics
Classification: Uncertain significance for Familial thoracic aortic aneurysm and aortic dissection. Last evaluated: 2025-10-29. Review status: criteria provided, single submitter. Criteria: Ambry Variant Classification Scheme 2023. Collection method: clinical testing. Allele origin: germline.

Blueprint Genetics
Classification: Uncertain significance. Last evaluated: 2023-08-10. Review status: criteria provided, single submitter. Criteria: ACMG Guidelines, 2015. Collection method: clinical testing. Allele origin: germline.

Labcorp Genetics (formerly Invitae), Labcorp
Classification: Uncertain significance for Arterial tortuosity syndrome. Last evaluated: 2022-08-23. Review status: criteria provided, single submitter. Criteria: Invitae Variant Classification Sherloc (09022015). Collection method: clinical testing. Allele origin: germline.
Comment: This sequence change replaces leucine, which is neutral and non-polar, with valine, which is neutral and non-polar, at codon 475 of the SLC2A10 protein (p.Leu475Val). This variant is present in population databases (rs754355572, gnomAD 0.01%). This variant has not been reported in the literature in individuals affected with SLC2A10-related conditions. ClinVar contains an entry for this variant (Variation ID: 213740). Advanced modeling of protein sequence and biophysical properties (such as structural, functional, and spatial information, amino acid conservation, physicochemical variation, residue mobility, and thermodynamic stability) performed at Invitae indicates that this missense variant is not expected to disrupt SLC2A10 protein function. In summary, the available evidence is currently insufficient to determine the role of this variant in disease. Therefore, it has been classified as a Variant of Uncertain Significance.

GeneDx
Classification: Uncertain significance. Last evaluated: 2013-01-08. Review status: criteria provided, single submitter. Criteria: GeneDx Variant Classification (06012015). Collection method: clinical testing. Allele origin: germline. Affected: yes.
Comment: p.Leu475Val (TTG>GTG): c.1423 T>G in exon 4 of the SLC2A10 gene (NM_030777.3). The Leu475Val variant in the SLC2A10 gene has not been reported as a disease-causing mutation or as a benign polymorphism to our knowledge. Leu475Val results in a conservative amino acid substitution of one non-polar amino acid with another at a position that is conserved in mammals. In silico analysis predicts possibly damaging to the protein structure/function. The NHLBI ESP Exome Variant Server reports Leu475Val was not observed in approximately 6,500 samples from individuals of European and African American backgrounds, indicating it is not a common benign variant in these populations. Nevertheless, no mutations in nearby codons have been reported in association with arterial tortuosity syndrome. With the clinical and molecular information available at this time, we cannot definitively determine if Leu475Val is a disease-causing mutation or a rare benign variant. This variant was found in TAAD